The following is an entry in ClinVar:

NM_004655.4(AXIN2):c.790A>C (p.Thr264Pro)

Gene: AXIN2 (axin 2; minus strand). Cytogenetic location: 17q24.1.
Variant type: single nucleotide variant.
Coding change: c.790A>C on transcript NM_004655.4 (MANE Select); coding-DNA position 790, A replaced by C.
Protein change: p.Thr264Pro; replaces threonine 264 with proline.
Molecular consequence: missense variant.
Genome position (GRCh38, 1-based): chr17:65,557,831, T>G on the plus strand (A>C on the coding strand, the complement: AXIN2 is on the minus strand). VCF-style: chr17-65557831-T-G. GRCh37 (hg19) VCF-style: chr17-63553949-T-G.
Other names: c.790A>C, p.Thr264Pro (NM_001363813.1); short protein forms T264P.
Identifiers: ClinVar variation 2707919 (VCV002707919.3), dbSNP rs1064794876, ClinGen allele CA400680258.

ClinVar aggregate classification (germline): Uncertain significance (1 of 4 stars; one submission).

Conditions:
Oligodontia-cancer predisposition syndrome. Also called: TOOTH AGENESIS-COLORECTAL CANCER SYNDROME. Identifiers: Orphanet 300576, MedGen C1837750, MONDO:0012075, OMIM 608615. Disease mechanism: loss of function.

Submission:

Labcorp Genetics (formerly Invitae), Labcorp
Classification: Uncertain significance for Oligodontia-cancer predisposition syndrome. Last evaluated: 2024-01-06. Review status: criteria provided, single submitter. Criteria: Invitae Variant Classification Sherloc (09022015). Collection method: clinical testing. Allele origin: germline.
Comment: This sequence change replaces threonine, which is neutral and polar, with proline, which is neutral and non-polar, at codon 264 of the AXIN2 protein (p.Thr264Pro). This variant is not present in population databases (gnomAD no frequency). This variant has not been reported in the literature in individuals affected with AXIN2-related conditions. Advanced modeling of protein sequence and biophysical properties (such as structural, functional, and spatial information, amino acid conservation, physicochemical variation, residue mobility, and thermodynamic stability) performed at Invitae indicates that this missense variant is not expected to disrupt AXIN2 protein function with a negative predictive value of 80%. In summary, the available evidence is currently insufficient to determine the role of this variant in disease. Therefore, it has been classified as a Variant of Uncertain Significance.